The following is an entry in ClinVar:

ClinVar aggregate classification (germline): Benign/Likely benign. Review status: criteria provided, multiple submitters, no conflicts (2 of 4 stars). 4 submissions from 4 submitters: Benign (1); Likely benign (2). 1 of the submissions does not count toward it. Last evaluated 2026-01-05.

Conditions:
KAT6B-related disorder. Also called: KAT6B-related disorders; KAT6B-related condition.
Genitopatellar syndrome (GTPTS). Also called: Genitopatellar syndrome (GPS); ABSENT PATELLAE, SCROTAL HYPOPLASIA, RENAL ANOMALIES, FACIAL DYSMORPHISM, AND MENTAL RETARDATION. Identifiers: Orphanet 85201, MedGen C1853566, MONDO:0011640, OMIM 606170.

Allele frequency attached by ClinVar (database versions not stated): gnomAD 0.00006; ESP Exome Variant Server 0.00008; gnomAD exomes 0.00009 and 0.00016; TOPMed 0.00010; ExAC 0.00011.
gnomAD v4.1: 254 of 1,614,154 alleles (0.016%); highest among the groups gnomAD compares: East Asian, 0.053%; no homozygotes.

Submissions (4):

Labcorp Genetics (formerly Invitae), Labcorp
Classification: Likely benign for Genitopatellar syndrome. Last evaluated: 2026-01-05. Review status: criteria provided, single submitter. Criteria: Invitae Variant Classification Sherloc (09022015). Collection method: clinical testing. Allele origin: germline.

Blueprint Genetics
Classification: Likely benign. Last evaluated: 2024-03-07. Review status: criteria provided, single submitter. Criteria: ACMG Guidelines, 2015. Collection method: clinical testing. Allele origin: germline.

GeneDx
Classification: Benign. Last evaluated: 2019-01-30. Review status: criteria provided, single submitter. Criteria: GeneDx Variant Classification Process June 2021. Collection method: clinical testing. Allele origin: germline. Affected: yes.

PreventionGenetics, part of Exact Sciences
Classification: Likely benign for KAT6B-related condition. Last evaluated: 2022-03-18. Review status: no assertion criteria provided. Collection method: clinical testing. Allele origin: germline. Not counted in ClinVar's aggregate classification.
Comment: This variant is classified as likely benign based on ACMG/AMP sequence variant interpretation guidelines (Richards et al. 2015 PMID: 25741868, with internal and published modifications).

NM_012330.4(KAT6B):c.3957G>T (p.Leu1319Phe)

Gene: KAT6B (lysine acetyltransferase 6B; plus strand). Cytogenetic location: 10q22.2.
Variant type: single nucleotide variant.
Coding change: c.3957G>T on transcript NM_012330.4 (MANE Select); coding-DNA position 3957, G replaced by T.
Protein change: p.Leu1319Phe; replaces leucine 1319 with phenylalanine.
Molecular consequence: missense variant.
Genome position (GRCh38, 1-based): chr10:75,028,781, G>T. VCF-style: chr10-75028781-G-T. GRCh37 (hg19) VCF-style: chr10-76788539-G-T.
Other names: c.3408G>T, p.Leu1136Phe (NM_001256468.2, NM_001370138.1); c.3081G>T, p.Leu1027Phe (NM_001256469.2, NM_001370139.1, NM_001370140.1 and 2 more transcripts); c.2919G>T, p.Leu973Phe (NM_001370132.1); c.2268G>T, p.Leu756Phe (NM_001370133.1); c.1872G>T, p.Leu624Phe (NM_001370134.1); c.1614G>T, p.Leu538Phe (NM_001370135.1); c.3957G>T, p.Leu1319Phe (NM_001370136.1, NM_001370137.1); c.2892G>T, p.Leu964Phe (NM_001370143.1, NM_001370144.1); short protein forms L1027F, L1136F, L1319F, L538F, L624F, L756F, L964F, L973F.
Identifiers: ClinVar variation 1266817 (VCV001266817.13), dbSNP rs150339818, ClinGen allele CA5564930.
Genomic context (GRCh38, chr10:75,028,781, plus strand): 5'-AACCAGCCCCAGTCCCATCAGGATTGAGGAGGAGGTCAAGGAAACTGGGGAAGCCCTGTT[G>T]CCTCAAGAGGAAAACAGAAGGGAAGAAACATGTGCCCCTGTAAGTCCAAACACATCACCA-3'
Protein context (NP_036462.2, residues 1309-1329): EEVKETGEAL[Leu1319Phe]PQEENRREET